The following is an entry in ClinVar:

ClinVar aggregate classification (germline): Pathogenic/Likely pathogenic. Review status: criteria provided, multiple submitters, no conflicts (2 of 4 stars). 3 submissions from 3 submitters: Pathogenic (2); Likely pathogenic (1). Last evaluated 2026-08-28.

Conditions:
Hereditary hemorrhagic telangiectasia (HHT). Also called: ORW DISEASE; Osler Weber Rendu syndrome; OSLER-RENDU-WEBER DISEASE; Osler hemorrhagic telangiectasia syndrome. Identifiers: Orphanet 774, MedGen C0039445, MONDO:0019180. Disease mechanism: loss of function.
Cardiovascular phenotype. Identifiers: MedGen CN230736.

Submissions (3):

Ambry Genetics
Classification: Pathogenic for Cardiovascular phenotype. Last evaluated: 2026-08-28. Review status: criteria provided, single submitter. Criteria: Ambry Variant Classification Scheme 2023. Collection method: clinical testing. Allele origin: germline.
Comment: The c.1311G>C pathogenic mutation (also known as p.R437R), located in coding exon 10 of the ENG gene, results from a G to C substitution at nucleotide position 1311. This nucleotide substitution does not change the arginine at codon 437. However, this change occurs in the last base pair of coding exon 10, which makes it likely to have some effect on normal mRNA splicing. This variant was identified in one or more individuals with features consistent with hereditary hemorrhagic telangiectasia (HHT) and segregated with disease in at least one family (Gallione CJ et al. Hum Mutat, 1998;11:286-94). Other variant(s) resulting in the same amino acid change (c.1311G>T) have been identified in individual(s) with features consistent with HHT (McDonald J et al. Clin. Genet., 2011 Apr;79:335-44). This nucleotide position is highly conserved in available vertebrate species. In silico splice site analysis predicts that this alteration will weaken the native splice donor site. This variant is considered to be rare based on population cohorts in the Genome Aggregation Database (gnomAD). Based on the supporting evidence, this variant is interpreted as a disease-causing mutation.

Labcorp Genetics (formerly Invitae), Labcorp
Classification: Pathogenic for Hereditary hemorrhagic telangiectasia. Last evaluated: 2025-08-29. Review status: criteria provided, single submitter. Criteria: Invitae Variant Classification Sherloc (09022015). Collection method: clinical testing. Allele origin: germline.
Comment: This sequence change affects codon 437 of the ENG mRNA. It is a 'silent' change, meaning that it does not change the encoded amino acid sequence of the ENG protein. This variant also falls at the last nucleotide of exon 10, which is part of the consensus splice site for this exon. This variant is not present in population databases (gnomAD no frequency). This variant has been observed in individual(s) with hemorrhagic telangiectasia (PMID: 9554745). It has also been observed to segregate with disease in related individuals. ClinVar contains an entry for this variant (Variation ID: 458335). Variants that disrupt the consensus splice site are a relatively common cause of aberrant splicing (PMID: 17576681, 9536098). Algorithms developed to predict the effect of sequence changes on RNA splicing suggest that this variant may disrupt the consensus splice site. This variant disrupts the c.1311G nucleotide in the ENG gene. Other variant(s) that disrupt this nucleotide have been determined to be pathogenic (PMID: 15517393). This suggests that this nucleotide is clinically significant, and that variants that disrupt this position are likely to be disease-causing. For these reasons, this variant has been classified as Pathogenic.

Mayo Clinic Laboratories, Mayo Clinic
Classification: Likely pathogenic. Last evaluated: 2022-05-04. Review status: criteria provided, single submitter. Criteria: ACMG Guidelines, 2015. Collection method: clinical testing. Allele origin: germline. Observed: 1 variant allele.
Comment: PP1_strong, PM2_supporting, PVS1_moderate

Literature cited by the submitters: PubMed 15517393 (cited by Ambry Genetics and Labcorp Genetics (formerly Invitae), Labcorp); PubMed 21158752 (cited by Ambry Genetics); PubMed 9554745 (cited by Ambry Genetics and Labcorp Genetics (formerly Invitae), Labcorp); PubMed 17576681 (cited by Labcorp Genetics (formerly Invitae), Labcorp); PubMed 9536098 (cited by Labcorp Genetics (formerly Invitae), Labcorp).

NM_001114753.3(ENG):c.1311G>C (p.Arg437=)

Genes: ENG (endoglin; minus strand), LOC102723566 (uncharacterized LOC102723566; plus strand). Cytogenetic location: 9q34.11.
Variant type: single nucleotide variant.
Coding change: c.1311G>C on transcript NM_001114753.3 (MANE Select); coding-DNA position 1311, G replaced by C.
Protein change: p.Arg437=; no amino-acid change (arginine 437 retained).
Molecular consequence: synonymous variant.
Genome position (GRCh38, 1-based): chr9:127,819,622, C>G on the plus strand (G>C on the coding strand, the complement: ENG is on the minus strand). VCF-style: chr9-127819622-C-G. GRCh37 (hg19) VCF-style: chr9-130581901-C-G.
Other names: p.Arg437=; c.1311G>C, p.Arg437= (NM_000118.4); c.765G>C, p.Arg255= (NM_001278138.2).
Identifiers: ClinVar variation 458335 (VCV000458335.15), dbSNP rs1554809448, ClinGen allele CA467227927.